The following is an entry in ClinVar:

ClinVar aggregate classification (germline): Uncertain significance (1 of 4 stars; one submission).

gnomAD v4.1: 3 of 1,614,112 alleles (0.00019%); highest among the groups gnomAD compares: African/African-American, 0.004%; no homozygotes.

Submission:

Greenwood Genetic Center Diagnostic Laboratories, Greenwood Genetic Center
Classification: Uncertain significance. Last evaluated: 2025-01-28. Review status: criteria provided, single submitter. Criteria: ACMG Guidelines, 2015. Collection method: clinical testing. Allele origin: germline.
Comment: PM2

NM_018245.3(OGDHL):c.1336C>T (p.Pro446Ser)

Gene: OGDHL (oxoglutarate dehydrogenase L; minus strand). Cytogenetic location: 10q11.23.
Variant type: single nucleotide variant.
Coding change: c.1336C>T on transcript NM_018245.3 (MANE Select); coding-DNA position 1336, C replaced by T.
Protein change: p.Pro446Ser; replaces proline 446 with serine.
Molecular consequence: missense variant. On other transcripts: non-coding transcript variant (5), intron variant (4).
Genome position (GRCh38, 1-based): chr10:49,745,938, G>A on the plus strand (C>T on the coding strand, the complement: OGDHL is on the minus strand). VCF-style: chr10-49745938-G-A. GRCh37 (hg19) VCF-style: chr10-50953984-G-A.
Other names: c.1165C>T, p.Pro389Ser (NM_001143996.2, NM_001347820.1); c.709C>T, p.Pro237Ser (NM_001143997.2, NM_001347821.2, NM_001347822.1); c.1336C>T, p.Pro446Ser (NM_001347819.1); c.280-442C>T (NM_001347826.1); c.1297-442C>T (NM_001347823.1, NM_001347824.2); c.670-442C>T (NM_001347825.2); short protein forms P237S, P389S, P446S.
Identifiers: ClinVar variation 4851633 (VCV004851633.1).
Genomic context (GRCh38, chr10:49,745,938, plus strand): 5'-CATCGGCATTCACATGGAAGATAGGCGCATTGACCACCCGGGCCACGTCGGTCGGGTATG[G>A]TGAGGAGCGGGCCATTCGGGGGTCTGTGGTGAATCCAATCTGCAGAGGCAGGAGAAACCT-3'
Protein context (NP_060715.2, residues 436-456): TTDPRMARSS[Pro446Ser]YPTDVARVVN